The following is an entry in ClinVar:

NM_000057.4(BLM):c.4156T>C (p.Ser1386Pro)

Gene: BLM (BLM RecQ like helicase; plus strand). Cytogenetic location: 15q26.1.
Variant type: single nucleotide variant.
Coding change: c.4156T>C on transcript NM_000057.4 (MANE Select); coding-DNA position 4156, T replaced by C.
Protein change: p.Ser1386Pro; replaces serine 1386 with proline.
Molecular consequence: missense variant.
Genome position (GRCh38, 1-based): chr15:90,815,181, T>C. VCF-style: chr15-90815181-T-C. GRCh37 (hg19) VCF-style: chr15-91358411-T-C.
Other names: c.4156T>C, p.Ser1386Pro (NM_001287246.2); c.3763T>C, p.Ser1255Pro (NM_001287247.2); c.3031T>C, p.Ser1011Pro (NM_001287248.2); short protein forms S1011P, S1255P, S1386P.
Identifiers: ClinVar variation 1738299 (VCV001738299.2), dbSNP rs2505575476, ClinGen allele CA393852380.
Genomic context (GRCh38, chr15:90,815,181, plus strand): 5'-AAGATATCTTCCAAAACGAAATCCTCCAGCATCATTGGATCCAGTTCAGCCTCACATACT[T>C]CTCAAGCGACATCAGGAGCCAATAGCAAATTGGGGATTATGGCTCCACCGAAGCCTATAA-3'
Protein context (NP_000048.1, residues 1376-1396): IIGSSSASHT[Ser1386Pro]QATSGANSKL

ClinVar aggregate classification (germline): Uncertain significance (1 of 4 stars; one submission).

Conditions:
Hereditary cancer-predisposing syndrome. Also called: Neoplastic Syndromes, Hereditary; Tumor predisposition; Hereditary Cancer Syndrome; Hereditary neoplastic syndrome. Identifiers: Orphanet 140162, MedGen C0027672, MeSH D009386, MONDO:0015356.

Submission:

Ambry Genetics
Classification: Uncertain significance for Hereditary cancer-predisposing syndrome. Last evaluated: 2021-09-10. Review status: criteria provided, single submitter. Criteria: Ambry Variant Classification Scheme 2023. Collection method: clinical testing. Allele origin: germline.
Comment: The p.S1386P variant (also known as c.4156T>C), located in coding exon 21 of the BLM gene, results from a T to C substitution at nucleotide position 4156. The serine at codon 1386 is replaced by proline, an amino acid with similar properties. This amino acid position is conserved. In addition, this alteration is predicted to be tolerated by in silico analysis. Since supporting evidence is limited at this time, the clinical significance of this alteration remains unclear.